The following is an entry in ClinVar:

ClinVar aggregate classification (germline): Benign. Review status: criteria provided, multiple submitters, no conflicts (2 of 4 stars). 2 submissions from 2 submitters: Benign (2). Last evaluated 2016-03-29.

Allele frequency attached by ClinVar (database versions not stated): 1000 Genomes Project 30x 0.03373; ESP Exome Variant Server 0.03445; TOPMed 0.03564; 1000 Genomes Project 0.03614; gnomAD 0.03621 and 0.03737; gnomAD exomes 0.04003 and 0.04540; ExAC 0.04261.
gnomAD v4.1: 70,657 of 1,582,920 alleles (4.5%); highest among the groups gnomAD compares: South Asian, 4.9%; 1,898 homozygotes.

Submissions (2):

Laboratory for Molecular Medicine, Mass General Brigham Personalized Medicine
Classification: Benign. Last evaluated: 2016-03-29. Review status: criteria provided, single submitter. Criteria: LMM Criteria. Collection method: clinical testing. Allele origin: germline.
Comment: Variant identified in a genome or exome case(s) and assessed due to predicted null impact of the variant or pathogenic assertions in the literature or databases. Disclaimer: This variant has not undergone full assessment. The following are preliminary notes: Frequency

Breakthrough Genomics
Classification: Benign. Review status: criteria provided, single submitter. Criteria: ACMG Guidelines, 2015. Collection method: not provided. Allele origin: germline. Inheritance: Autosomal recessive inheritance. Affected: yes.

NM_144668.6(CFAP251):c.1250G>A (p.Arg417Gln)

Gene: CFAP251 (cilia and flagella associated protein 251; plus strand). Cytogenetic location: 12q24.31.
Variant type: single nucleotide variant.
Coding change: c.1250G>A on transcript NM_144668.6 (MANE Select); coding-DNA position 1250, G replaced by A.
Protein change: p.Arg417Gln; replaces arginine 417 with glutamine.
Molecular consequence: missense variant.
Genome position (GRCh38, 1-based): chr12:121,949,042, G>A. VCF-style: chr12-121949042-G-A. GRCh37 (hg19) VCF-style: chr12-122386948-G-A.
Other names: c.1250G>A, p.Arg417Gln (NM_001178003.2); short protein forms R417Q.
Identifiers: ClinVar variation 403607 (VCV000403607.5), dbSNP rs78910014, ClinGen allele CA6840565.